The following is an entry in ClinVar:

NM_006231.4(POLE):c.946_948del (p.Asp316del)

Gene: POLE (DNA polymerase epsilon, catalytic subunit; minus strand). Cytogenetic location: 12q24.33.
Variant type: Deletion.
Coding change: c.946_948del on transcript NM_006231.4 (MANE Select); coding-DNA positions 946 to 948, 3 bases deleted (GAT; older notation c.946_948delGAT).
Protein change: p.Asp316del; deletes aspartic acid 316.
Molecular consequence: inframe deletion.
Genome position (GRCh38, 1-based): chr12:132,676,166-132,676,168, ATC deleted on the plus strand (GAT on the coding strand, the reverse complement: POLE is on the minus strand). VCF-style (leftmost placement, unchanged base first): chr12-132676165-TATC-T. GRCh37 (hg19) VCF-style: chr12-133252751-TATC-T.
Other names: short protein forms D316del.
Identifiers: ClinVar variation 1018336 (VCV001018336.8), dbSNP rs2043046967, ClinGen allele CA2073003226.

ClinVar aggregate classification (germline): Uncertain significance (1 of 4 stars; one submission).

Submission:

Labcorp Genetics (formerly Invitae), Labcorp
Classification: Uncertain significance. Last evaluated: 2020-08-02. Review status: criteria provided, single submitter. Criteria: Invitae Variant Classification Sherloc (09022015). Collection method: clinical testing. Allele origin: germline.
Comment: In summary, the available evidence is currently insufficient to determine the role of this variant in disease. Therefore, it has been classified as a Variant of Uncertain Significance. Experimental studies and prediction algorithms are not available or were not evaluated, and the functional significance of this variant is currently unknown. This variant has not been reported in the literature in individuals with POLE-related conditions. This variant is not present in population databases (ExAC no frequency). This variant, c.946_948del, results in the deletion of 1 amino acid(s) of the POLE protein (p.Asp316del), but otherwise preserves the integrity of the reading frame.